The following is an entry in ClinVar:

NC_000007.14:g.(?_832495)_(873341_?)dup

Gene: SUN1 (Sad1 and UNC84 domain containing 1; plus strand). Cytogenetic location: 7p22.3.
Variant type: Duplication.
Identifiers: ClinVar variation 830401 (VCV000830401.1).

ClinVar aggregate classification (germline): Uncertain significance (1 of 4 stars; one submission).

Conditions:
Emery-Dreifuss muscular dystrophy (EDMD). Also called: Scapuloperoneal syndrome, X-linked (formerly); Humeroperoneal neuromuscular disease, (formerly). Identifiers: Orphanet 261, MedGen C0410189, MONDO:0016830.

Submission:

Labcorp Genetics (formerly Invitae), Labcorp
Classification: Uncertain significance for Emery-Dreifuss muscular dystrophy. Last evaluated: 2019-06-11. Review status: criteria provided, single submitter. Criteria: Invitae Variant Classification Sherloc (09022015). Collection method: clinical testing. Allele origin: germline.
Comment: This variant results in a copy number gain of the genomic region encompassing the full coding sequence of the SUN1 gene. The boundaries of this event are unknown as they extend beyond the assayed region for this gene and therefore may encompass additional genes. As the precise location of this event is unknown, it may be in tandem or it may be located elsewhere in the genome. This variant has not been reported in the literature in individuals with SUN1-related conditions. In summary, the available evidence is currently insufficient to determine the role of this variant in disease. Therefore, it has been classified as a Variant of Uncertain Significance.